The following is an entry in ClinVar:

NM_199420.4(POLQ):c.7360A>G (p.Lys2454Glu)

Gene: POLQ (DNA polymerase theta; minus strand). Cytogenetic location: 3q13.33.
Variant type: single nucleotide variant.
Coding change: c.7360A>G on transcript NM_199420.4 (MANE Select); coding-DNA position 7360, A replaced by G.
Protein change: p.Lys2454Glu; replaces lysine 2454 with glutamic acid.
Molecular consequence: missense variant.
Genome position (GRCh38, 1-based): chr3:121,440,021, T>C on the plus strand (A>G on the coding strand, the complement: POLQ is on the minus strand). VCF-style: chr3-121440021-T-C. GRCh37 (hg19) VCF-style: chr3-121158868-T-C.
Other names: short protein forms K2454E.
Identifiers: ClinVar variation 1758514 (VCV001758514.2), dbSNP rs2047577169, ClinGen allele CA354097980.

ClinVar aggregate classification (germline): Uncertain significance (1 of 4 stars; one submission).

Allele frequency attached by ClinVar (database versions not stated): TOPMed below 0.00001; gnomAD 0.00001.
gnomAD v4.1: 1 of 1,613,686 alleles (0.000062%); highest among the groups gnomAD compares: Non-Finnish European, 0.000085%; no homozygotes.

Submission:

Ambry Genetics
Classification: Uncertain significance. Last evaluated: 2022-05-18. Review status: criteria provided, single submitter. Criteria: Ambry Variant Classification Scheme 2023. Collection method: clinical testing. Allele origin: germline.
Comment: The p.K2454E variant (also known as c.7360A>G), located in coding exon 27 of the POLQ gene, results from an A to G substitution at nucleotide position 7360. The lysine at codon 2454 is replaced by glutamic acid, an amino acid with similar properties. This amino acid position is conserved. In addition, the in silico prediction for this alteration is inconclusive. Since supporting evidence is limited at this time, the clinical significance of this alteration remains unclear.